The following is an entry in ClinVar:

NM_001036.6(RYR3):c.8987C>T (p.Ala2996Val)

Gene: RYR3 (ryanodine receptor 3; plus strand). Cytogenetic location: 15q14.
Variant type: single nucleotide variant.
Coding change: c.8987C>T on transcript NM_001036.6 (MANE Select); coding-DNA position 8987, C replaced by T.
Protein change: p.Ala2996Val; replaces alanine 2996 with valine.
Molecular consequence: missense variant.
Genome position (GRCh38, 1-based): chr15:33,772,090, C>T. VCF-style: chr15-33772090-C-T. GRCh37 (hg19) VCF-style: chr15-34064291-C-T.
Other names: c.8987C>T, p.Ala2996Val (NM_001243996.4); short protein forms A2996V.
Identifiers: ClinVar variation 1063470 (VCV001063470.9), dbSNP rs1315782115, ClinGen allele CA391588646.

ClinVar aggregate classification (germline): Uncertain significance (1 of 4 stars; one submission).

Conditions:
Epileptic encephalopathy. Identifiers: MedGen C0543888, HP:0200134.

Allele frequency attached by ClinVar (database versions not stated): gnomAD exomes below 0.00001.

Submission:

Labcorp Genetics (formerly Invitae), Labcorp
Classification: Uncertain significance for Epileptic encephalopathy. Last evaluated: 2021-02-18. Review status: criteria provided, single submitter. Criteria: Invitae Variant Classification Sherloc (09022015). Collection method: clinical testing. Allele origin: germline.
Comment: In summary, the available evidence is currently insufficient to determine the role of this variant in disease. Therefore, it has been classified as a Variant of Uncertain Significance. Algorithms developed to predict the effect of missense changes on protein structure and function are either unavailable or do not agree on the potential impact of this missense change (SIFT: "Deleterious"; PolyPhen-2: "Benign"; Align-GVGD: "Class C0"). This variant has not been reported in the literature in individuals with RYR3-related conditions. This variant is not present in population databases (ExAC no frequency). This sequence change replaces alanine with valine at codon 2996 of the RYR3 protein (p.Ala2996Val). The alanine residue is highly conserved and there is a small physicochemical difference between alanine and valine.